The following is an entry in ClinVar:

NM_000283.4(PDE6B):c.25C>T (p.Arg9Trp)

Gene: PDE6B (phosphodiesterase 6B; plus strand). Cytogenetic location: 4p16.3.
Variant type: single nucleotide variant.
Coding change: c.25C>T on transcript NM_000283.4 (MANE Select); coding-DNA position 25, C replaced by T.
Protein change: p.Arg9Trp; replaces arginine 9 with tryptophan.
Molecular consequence: missense variant.
Genome position (GRCh38, 1-based): chr4:625,651, C>T. VCF-style: chr4-625651-C-T. GRCh37 (hg19) VCF-style: chr4-619440-C-T.
Other names: c.25C>T, p.Arg9Trp (NM_001145291.2); short protein forms R9W.
Identifiers: ClinVar variation 968558 (VCV000968558.12), dbSNP rs140441389, ClinGen allele CA2793822.

ClinVar aggregate classification (germline): Conflicting classifications of pathogenicity. Review status: criteria provided, conflicting classifications (1 of 4 stars). 4 submissions from 4 submitters: Uncertain significance (3); Likely benign (1). Last evaluated 2026-08-20.

Conditions:
Inborn genetic diseases. Identifiers: MedGen C0950123, MeSH D030342.
PDE6B-related disorder. Also called: PDE6B-related disorders; PDE6B-related disease; PDE6B-related condition.

Allele frequency attached by ClinVar (database versions not stated): gnomAD exomes 0.00016 and 0.00005; ExAC 0.00017; gnomAD 0.00035 and 0.00037; TOPMed 0.00041; ESP Exome Variant Server 0.00046; 1000 Genomes Project 30x 0.00047; 1000 Genomes Project 0.00060.
gnomAD v4.1: 129 of 1,613,734 alleles (0.008%); highest among the groups gnomAD compares: African/African-American, 0.11%; no homozygotes.

Submissions (4):

PreventionGenetics, part of Exact Sciences
Classification: Uncertain significance for PDE6B-related condition. Last evaluated: 2026-08-20. Review status: criteria provided, single submitter. Criteria: ACMG Guidelines, 2015. Collection method: clinical testing. Allele origin: germline.
Comment: The PDE6B c.25C>T variant is predicted to result in the amino acid substitution p.Arg9Trp. To our knowledge, this variant has not been reported in the literature. This variant is reported in 0.12% of alleles in individuals of African descent in gnomAD, which might too frequent to be a primary cause of disease. . Although we suspect that this variant may be benign, at this time, the clinical significance of this variant is uncertain due to the absence of conclusive functional and genetic evidence.

Labcorp Genetics (formerly Invitae), Labcorp
Classification: Likely benign. Last evaluated: 2025-12-01. Review status: criteria provided, single submitter. Criteria: Invitae Variant Classification Sherloc (09022015). Collection method: clinical testing. Allele origin: germline.

Ambry Genetics
Classification: Uncertain significance for Inborn genetic diseases. Last evaluated: 2025-08-21. Review status: criteria provided, single submitter. Criteria: Ambry Variant Classification Scheme 2023. Collection method: clinical testing. Allele origin: germline.

Blueprint Genetics
Classification: Uncertain significance. Last evaluated: 2024-10-03. Review status: criteria provided, single submitter. Criteria: ACMG Guidelines, 2015. Collection method: clinical testing. Allele origin: germline.